The following is an entry in ClinVar:

NM_015450.3(POT1):c.1259A>T (p.Asp420Val)

Gene: POT1 (protection of telomeres 1; minus strand). Cytogenetic location: 7q31.33.
Variant type: single nucleotide variant.
Coding change: c.1259A>T on transcript NM_015450.3 (MANE Select); coding-DNA position 1259, A replaced by T.
Protein change: p.Asp420Val; replaces aspartic acid 420 with valine.
Molecular consequence: missense variant. On other transcripts: non-coding transcript variant (3).
Genome position (GRCh38, 1-based): chr7:124,841,083, T>A on the plus strand (A>T on the coding strand, the complement: POT1 is on the minus strand). VCF-style: chr7-124841083-T-A. GRCh37 (hg19) VCF-style: chr7-124481137-T-A.
Other names: c.866A>T, p.Asp289Val (NM_001042594.2); short protein forms D420V, D289V.
Identifiers: ClinVar variation 575553 (VCV000575553.9), dbSNP rs1562980906, ClinGen allele CA369067362.

ClinVar aggregate classification (germline): Uncertain significance (1 of 4 stars; one submission).

Conditions:
Tumor predisposition syndrome 3 (TPDS3). Also called: Melanoma, cutaneous malignant, susceptibility to, 10; LONG TELOMERE SYNDROME, POT1-RELATED; POT1 Tumor Predisposition; Glioma susceptibility 9. Identifiers: Orphanet 618, MedGen C4014476, MONDO:0014368, OMIM 615848.

Submission:

Labcorp Genetics (formerly Invitae), Labcorp
Classification: Uncertain significance for Tumor predisposition syndrome 3. Last evaluated: 2022-05-03. Review status: criteria provided, single submitter. Criteria: Invitae Variant Classification Sherloc (09022015). Collection method: clinical testing. Allele origin: germline.
Comment: Algorithms developed to predict the effect of missense changes on protein structure and function (SIFT, PolyPhen-2, Align-GVGD) all suggest that this variant is likely to be disruptive. In summary, the available evidence is currently insufficient to determine the role of this variant in disease. Therefore, it has been classified as a Variant of Uncertain Significance. ClinVar contains an entry for this variant (Variation ID: 575553). This variant has not been reported in the literature in individuals affected with POT1-related conditions. This variant is not present in population databases (gnomAD no frequency). This sequence change replaces aspartic acid, which is acidic and polar, with valine, which is neutral and non-polar, at codon 420 of the POT1 protein (p.Asp420Val).